The following is an entry in ClinVar:

ClinVar aggregate classification (germline): Uncertain significance (1 of 4 stars; one submission).

Conditions:
Inborn genetic diseases. Identifiers: MedGen C0950123, MeSH D030342.

Submission:

Ambry Genetics
Classification: Uncertain significance for Inborn genetic diseases. Last evaluated: 2022-11-25. Review status: criteria provided, single submitter. Criteria: Ambry Variant Classification Scheme 2023. Collection method: clinical testing. Allele origin: germline.
Comment: The p.S1099L variant (also known as c.3296C>T), located in coding exon 16 of the ATR gene, results from a C to T substitution at nucleotide position 3296. The serine at codon 1099 is replaced by leucine, an amino acid with dissimilar properties. This amino acid position is conserved. In addition, the in silico prediction for this alteration is inconclusive. Since supporting evidence is limited at this time, the clinical significance of this alteration remains unclear.

NM_001184.4(ATR):c.3296C>T (p.Ser1099Leu)

Gene: ATR (ATR checkpoint kinase; minus strand). Cytogenetic location: 3q23.
Variant type: single nucleotide variant.
Coding change: c.3296C>T on transcript NM_001184.4 (MANE Select); coding-DNA position 3296, C replaced by T.
Protein change: p.Ser1099Leu; replaces serine 1099 with leucine.
Molecular consequence: missense variant.
Genome position (GRCh38, 1-based): chr3:142,547,786, G>A on the plus strand (C>T on the coding strand, the complement: ATR is on the minus strand). VCF-style: chr3-142547786-G-A. GRCh37 (hg19) VCF-style: chr3-142266628-G-A.
Other names: c.3104C>T, p.Ser1035Leu (NM_001354579.2); short protein forms S1035L, S1099L.
Identifiers: ClinVar variation 2453533 (VCV002453533.2), dbSNP rs2108451095, ClinGen allele CA354810541.